The following is an entry in ClinVar:

NM_001110556.2(FLNA):c.217G>T (p.Asp73Tyr)

Gene: FLNA (filamin A; minus strand). Cytogenetic location: Xq28.
Variant type: single nucleotide variant.
Coding change: c.217G>T on transcript NM_001110556.2 (MANE Select); coding-DNA position 217, G replaced by T.
Protein change: p.Asp73Tyr; replaces aspartic acid 73 with tyrosine.
Molecular consequence: missense variant.
Genome position (GRCh38, 1-based): chrX:154,371,029, C>A on the plus strand (G>T on the coding strand, the complement: FLNA is on the minus strand). VCF-style: chrX-154371029-C-A. GRCh37 (hg19) VCF-style: chrX-153599397-C-A.
Other names: c.217G>T, p.Asp73Tyr (NM_001456.4); short protein forms D73Y.
Identifiers: ClinVar variation 4789608 (VCV004789608.1).
Genomic context (GRCh38, chrX:154,371,029, plus strand): 5'-GCTTGCGGTGCATCTTCTTCTGGCTGAGCACCTCCAACAGCGCGATAAGCCGCAGCCCGT[C>A]GCTCAGGTCCGTCTGCAGGTTGGCGATGCGCTTGCTCACGCACTTCAGGTGCTCGTTGCA-3'
Protein context (NP_001104026.1, residues 63-83): RIANLQTDLS[Asp73Tyr]GLRLIALLEV

ClinVar aggregate classification (germline): Uncertain significance (1 of 4 stars; one submission).

Conditions:
Heterotopia, periventricular, X-linked dominant (PVNH1). Also called: PERIVENTRICULAR NODULAR HETEROTOPIA 4; HETEROTOPIA, PERIVENTRICULAR, 1; PERIVENTRICULAR NODULAR HETEROTOPIA 1; X-linked periventricular heterotopia. Identifiers: Orphanet 2149, Orphanet 82004, MedGen C1848213, MONDO:0010233, OMIM 300049.
Oto-palato-digital syndrome, type II (OPD2). Also called: Otopalatodigital Syndrome, Type II; FACIOPALATOOSSEOUS SYNDROME; OPD II SYNDROME; Otopalatodigital Syndrome Type 2 (FLNA-OPD2). Identifiers: Orphanet 669, Orphanet 90652, MedGen C1844696, MONDO:0010571, OMIM 304120.
Melnick-Needles syndrome (MNS). Also called: MELNICK-NEEDLES OSTEODYSPLASTY; OSTEODYSPLASTY OF MELNICK AND NEEDLES; Melnick-Needles Syndrome (FLNA-MNS). Identifiers: Orphanet 2484, MedGen C0025237, MONDO:0010650, OMIM 309350.
Frontometaphyseal dysplasia (FMD1). Identifiers: Orphanet 1826, MedGen C0265293, MONDO:0015942.

Submission:

Labcorp Genetics (formerly Invitae), Labcorp
Classification: Uncertain significance for Oto-palato-digital syndrome, type II; Heterotopia, periventricular, X-linked dominant; Frontometaphyseal dysplasia; Melnick-Needles syndrome. Last evaluated: 2025-07-30. Review status: criteria provided, single submitter. Criteria: Invitae Variant Classification Sherloc (09022015). Collection method: clinical testing. Allele origin: germline.
Comment: This sequence change replaces aspartic acid, which is acidic and polar, with tyrosine, which is neutral and polar, at codon 73 of the FLNA protein (p.Asp73Tyr). This variant is not present in population databases (gnomAD no frequency). This variant has not been reported in the literature in individuals affected with FLNA-related conditions. Invitae Evidence Modeling of protein sequence and biophysical properties (such as structural, functional, and spatial information, amino acid conservation, physicochemical variation, residue mobility, and thermodynamic stability) indicates that this missense variant is expected to disrupt FLNA protein function with a positive predictive value of 95%. In summary, the available evidence is currently insufficient to determine the role of this variant in disease. Therefore, it has been classified as a Variant of Uncertain Significance.